The following is an entry in ClinVar:

NM_001458.5(FLNC):c.8117T>C (p.Leu2706Pro)

Genes: FLNC (filamin C; plus strand), FLNC-AS1 (FLNC antisense RNA 1; minus strand). Cytogenetic location: 7q32.1.
Variant type: single nucleotide variant.
Coding change: c.8117T>C on transcript NM_001458.5 (MANE Select); coding-DNA position 8117, T replaced by C.
Protein change: p.Leu2706Pro; replaces leucine 2706 with proline.
Molecular consequence: missense variant.
Genome position (GRCh38, 1-based): chr7:128,858,462, T>C. VCF-style: chr7-128858462-T-C. GRCh37 (hg19) VCF-style: chr7-128498516-T-C.
Other names: c.8018T>C, p.Leu2673Pro (NM_001127487.2); short protein forms L2673P, L2706P.
Identifiers: ClinVar variation 1509568 (VCV001509568.8), dbSNP rs2128940703, ClinGen allele CA369221894.
Genomic context (GRCh38, chr7:128,858,462, plus strand): 5'-ACATGGGGAACCGGGTGTACAATGTCACCTACACTGTCAAGGAGAAAGGGGACTACATCC[T>C]CATTGTCAAGTGGGGTGACGAAAGTGTCCCTGGAAGCCCCTTCAAAGTCAAGGTCCCTTG-3'
Protein context (NP_001449.3, residues 2696-2716): YTVKEKGDYI[Leu2706Pro]IVKWGDESVP

ClinVar aggregate classification (germline): Uncertain significance (1 of 4 stars; one submission).

Conditions:
Myofibrillar myopathy 5. Also called: Filaminopathy (type); FILAMINOPATHY, AUTOSOMAL DOMINANT. Identifiers: Orphanet 171445, MedGen C1836050, MONDO:0012289, OMIM 609524.
Distal myopathy with posterior leg and anterior hand involvement. Also called: WILLIAMS DISTAL MYOPATHY. Identifiers: Orphanet 63273, MedGen C3279722, MONDO:0013550, OMIM 614065.
Hypertrophic cardiomyopathy 26. Also called: Cardiomyopathy, familial hypertrophic, 26. Identifiers: Orphanet 75249, MedGen C4310749, MONDO:0014883, OMIM 617047.

Submission:

Labcorp Genetics (formerly Invitae), Labcorp
Classification: Uncertain significance for Distal myopathy with posterior leg and anterior hand involvement; Myofibrillar myopathy 5; Hypertrophic cardiomyopathy 26. Last evaluated: 2021-05-31. Review status: criteria provided, single submitter. Criteria: Invitae Variant Classification Sherloc (09022015). Collection method: clinical testing. Allele origin: germline.
Comment: In summary, the available evidence is currently insufficient to determine the role of this variant in disease. Therefore, it has been classified as a Variant of Uncertain Significance. Algorithms developed to predict the effect of missense changes on protein structure and function are either unavailable or do not agree on the potential impact of this missense change (SIFT: "Deleterious"; PolyPhen-2: "Probably Damaging"; Align-GVGD: "Class C0"). This variant has not been reported in the literature in individuals with FLNC-related conditions. This variant is not present in population databases (ExAC no frequency). This sequence change replaces leucine with proline at codon 2706 of the FLNC protein (p.Leu2706Pro). The leucine residue is moderately conserved and there is a moderate physicochemical difference between leucine and proline.